The following is an entry in ClinVar:

NC_000002.11:g.(?_15557631)_(15557856_?)del

Gene: NBAS (NBAS subunit of NRZ tethering complex; minus strand). Cytogenetic location: 2p24.3.
Variant type: Deletion.
Identifiers: ClinVar variation 2426222 (VCV002426222.3).

ClinVar aggregate classification (germline): Uncertain significance (1 of 4 stars; one submission).

Submission:

Labcorp Genetics (formerly Invitae), Labcorp
Classification: Uncertain significance. Last evaluated: 2022-05-27. Review status: criteria provided, single submitter. Criteria: Invitae Variant Classification Sherloc (09022015). Collection method: clinical testing. Allele origin: germline.
Comment: This variant is a gross deletion of the genomic region encompassing exon(s) 24 of the NBAS gene. This variant would be expected to be in-frame, preserving the integrity of the reading frame. This variant has not been reported in the literature in individuals affected with NBAS-related conditions. Experimental studies and prediction algorithms are not available or were not evaluated, and the functional significance of this variant is currently unknown. In summary, the available evidence is currently insufficient to determine the role of this variant in disease. Therefore, it has been classified as a Variant of Uncertain Significance.